The following is an entry in ClinVar:

ClinVar aggregate classification (germline): Pathogenic. Review status: criteria provided, multiple submitters, no conflicts (2 of 4 stars). 6 submissions from 6 submitters: Pathogenic (6). Last evaluated 2025-09-09.

Conditions:
UNC13D-related disorder. Also called: UNC13D-related condition.
Familial hemophagocytic lymphohistiocytosis 3 (FHL3). Also called: UNC13D-Related Familial Hemophagocytic Lymphohistiocytosis (UNC13D-fHLH). Identifiers: Orphanet 540, MedGen C1837174, MONDO:0012146, OMIM 608898.

Allele frequency attached by ClinVar (database versions not stated): TOPMed below 0.00001; gnomAD 0.00001; ExAC 0.00003.
gnomAD v4.1: 14 of 1,613,906 alleles (0.00087%); highest among the groups gnomAD compares: Middle Eastern, 0.016%; no homozygotes.

Submissions (6):

Victorian Clinical Genetics Services, Murdoch Childrens Research Institute
Classification: Pathogenic for Familial hemophagocytic lymphohistiocytosis 3. Last evaluated: 2025-09-09. Review status: criteria provided, single submitter. Criteria: ACMG Guidelines, 2015. Collection method: clinical testing. Allele origin: germline. Affected: no.
Comment: This variant is classified as Pathogenic. Evidence in support of pathogenic classification: Variant is predicted to cause nonsense-mediated decay (NMD) and loss of protein (premature termination codon is located at least 54 nucleotides upstream of the final exon-exon junction); Variant is present in gnomAD (v4) <0.01 for a recessive condition (14 heterozygotes, 0 homozygotes); This variant has strong previous evidence of pathogenicity in unrelated individuals. This variant has been reported in multiple individuals with hemophagocytic lymphohistiocytosis (PMIDs: 27164702, 16825436) and classified as pathogenic in ClinVar; Other NMD-predicted variants comparable to the one identified in this case have very strong previous evidence for pathogenicity (ClinVar). Additional information: This variant is heterozygous; This gene is associated with autosomal recessive disease; Loss of function is a known mechanism of disease in this gene and is associated with familial hemophagocytic lymphohistiocytosis 3 (MIM#608898).

Labcorp Genetics (formerly Invitae), Labcorp
Classification: Pathogenic for Familial hemophagocytic lymphohistiocytosis 3. Last evaluated: 2023-12-03. Review status: criteria provided, single submitter. Criteria: Invitae Variant Classification Sherloc (09022015). Collection method: clinical testing. Allele origin: germline.
Comment: This sequence change creates a premature translational stop signal (p.Arg273*) in the UNC13D gene. It is expected to result in an absent or disrupted protein product. Loss-of-function variants in UNC13D are known to be pathogenic (PMID: 14622600). This variant is present in population databases (rs201589664, gnomAD 0.004%). This premature translational stop signal has been observed in individual(s) with hemophagocytic lymphohistiocytosis (PMID: 16278825, 21248318, 27164702). ClinVar contains an entry for this variant (Variation ID: 1400833). For these reasons, this variant has been classified as Pathogenic.

Department of Pathology and Laboratory Medicine, Sinai Health System
Classification: Pathogenic for Familial hemophagocytic lymphohistiocytosis 3. Last evaluated: 2023-02-06. Review status: criteria provided, single submitter. Criteria: ACMG Guidelines, 2015. Collection method: research. Allele origin: germline.

Mendelics
Classification: Pathogenic for Familial hemophagocytic lymphohistiocytosis 3. Last evaluated: 2022-05-04. Review status: criteria provided, single submitter. Criteria: Mendelics Assertion Criteria 2019. Collection method: clinical testing. Allele origin: germline.

Fulgent Genetics
Classification: Pathogenic for Familial hemophagocytic lymphohistiocytosis 3. Last evaluated: 2022-03-07. Review status: criteria provided, single submitter. Criteria: ACMG Guidelines, 2015. Collection method: clinical testing. Allele origin: unknown.

Blueprint Genetics
Classification: Pathogenic for UNC13D-related disorders. Last evaluated: 2019-11-25. Review status: criteria provided, single submitter. Criteria: ACMG Guidelines, 2015. Collection method: clinical testing. Allele origin: germline. Affected: yes. Observed: 2 variant alleles.

Literature cited by the submitters: PubMed 27164702 (cited by Victorian Clinical Genetics Services, Murdoch Childrens Research Institute and Labcorp Genetics (formerly Invitae), Labcorp); PubMed 16825436 (cited by Victorian Clinical Genetics Services, Murdoch Childrens Research Institute); PubMed 14622600 (cited by Labcorp Genetics (formerly Invitae), Labcorp); PubMed 16278825 (cited by Labcorp Genetics (formerly Invitae), Labcorp); PubMed 21248318 (cited by Labcorp Genetics (formerly Invitae), Labcorp).

NM_199242.3(UNC13D):c.817C>T (p.Arg273Ter)

Gene: UNC13D (unc-13 homolog D; minus strand). Cytogenetic location: 17q25.1.
Variant type: single nucleotide variant.
Coding change: c.817C>T on transcript NM_199242.3 (MANE Select); coding-DNA position 817, C replaced by T.
Protein change: p.Arg273Ter; replaces arginine 273 with a stop codon.
Molecular consequence: nonsense.
Genome position (GRCh38, 1-based): chr17:75,840,266, G>A on the plus strand (C>T on the coding strand, the complement: UNC13D is on the minus strand). VCF-style: chr17-75840266-G-A. GRCh37 (hg19) VCF-style: chr17-73836347-G-A.
Other names: c.817C>T (NM_199242.2); short protein forms R273*.
Identifiers: ClinVar variation 1400833 (VCV001400833.15), dbSNP rs201589664, ClinGen allele CA8773266.
Genomic context (GRCh38, chr17:75,840,266, plus strand): 5'-GGCCCAGTACCCGACCTACCCGCTTATGGATGAGTTGGAACTGGAGGTGGCACTGGCCTC[G>A]GTCTGGGTAGGTCTCAGTGCGGGGTTCCAGGGGGTACCACTGGTCCTCTCGGCAGCGCAG-3'